The following is an entry in ClinVar:

ClinVar aggregate classification (germline): Pathogenic/Likely pathogenic. Review status: criteria provided, multiple submitters, no conflicts (2 of 4 stars). 2 submissions from 2 submitters: Pathogenic (1); Likely pathogenic (1). Last evaluated 2024-06-01.

Conditions:
Osteogenesis imperfecta type I (OI1). Also called: Lobstein disease; Lobstein's Disease; Classic Non-deforming Osteogenesis Imperfecta with Blue Sclerae; OI, TYPE I; OSTEOGENESIS IMPERFECTA TARDA; OSTEOGENESIS IMPERFECTA WITH BLUE SCLERAE. Identifiers: Orphanet 216796, Orphanet 666, MedGen C0023931, MONDO:0008146, OMIM 166200. Disease mechanism: loss of function.

Submissions (2):

CeGaT Center for Human Genetics Tuebingen
Classification: Likely pathogenic. Last evaluated: 2024-06-01. Review status: criteria provided, single submitter. Criteria: CeGaT Center For Human Genetics Tuebingen Variant Classification Criteria Version 2. Collection method: clinical testing. Allele origin: germline. Affected: yes. Observed: 2 variant alleles.
Comment: COL1A1: PVS1:Strong, PM2, PS4:Supporting

Labcorp Genetics (formerly Invitae), Labcorp
Classification: Pathogenic for Osteogenesis imperfecta type I. Last evaluated: 2020-12-19. Review status: criteria provided, single submitter. Criteria: Invitae Variant Classification Sherloc (09022015). Collection method: clinical testing. Allele origin: germline.
Comment: For these reasons, this variant has been classified as Pathogenic. Algorithms developed to predict the effect of sequence changes on RNA splicing suggest that this variant may disrupt the consensus splice site, but this prediction has not been confirmed by published transcriptional studies. This variant has been observed in individual(s) with clinical features of osteogenesis imperfecta (PMID: 25963598, Invitae). This variant is not present in population databases (ExAC no frequency). This sequence change affects a donor splice site in intron 6 of the COL1A1 gene. It is expected to disrupt RNA splicing. Variants that disrupt the donor or acceptor splice site typically lead to a loss of protein function (PMID: 16199547), and loss-of-function variants in COL1A1 are known to be pathogenic (PMID: 7942841, 9295084, 9443882).

Literature cited by the submitters: PubMed 25963598 (cited by Labcorp Genetics (formerly Invitae), Labcorp); PubMed 16199547 (cited by Labcorp Genetics (formerly Invitae), Labcorp); PubMed 7942841 (cited by Labcorp Genetics (formerly Invitae), Labcorp); PubMed 9295084 (cited by Labcorp Genetics (formerly Invitae), Labcorp); PubMed 9443882 (cited by Labcorp Genetics (formerly Invitae), Labcorp).

NM_000088.4(COL1A1):c.543+1G>T

Gene: COL1A1 (collagen type I alpha 1 chain; minus strand). Cytogenetic location: 17q21.33.
Variant type: single nucleotide variant.
Coding change: c.543+1G>T on transcript NM_000088.4 (MANE Select); the canonical splice donor site of the intron after coding-DNA position 543, G replaced by T.
Molecular consequence: splice donor variant.
Genome position (GRCh38, 1-based): chr17:50,198,432, C>A on the plus strand (G>T on the coding strand, the complement: COL1A1 is on the minus strand). VCF-style: chr17-50198432-C-A. GRCh37 (hg19) VCF-style: chr17-48275793-C-A.
Identifiers: ClinVar variation 1354362 (VCV001354362.26), dbSNP rs2144588841, ClinGen allele CA400225917.